The following is an entry in ClinVar:

ClinVar aggregate classification (germline): Likely pathogenic (1 of 4 stars; one submission).

Submission:

Labcorp Genetics (formerly Invitae), Labcorp
Classification: Likely pathogenic. Last evaluated: 2017-08-07. Review status: criteria provided, single submitter. Criteria: Invitae Variant Classification Sherloc (09022015). Collection method: clinical testing. Allele origin: germline.
Comment: In summary, the currently available evidence indicates that the variant is pathogenic, but additional data are needed to prove that conclusively. Therefore, this variant has been classified as Likely Pathogenic. Algorithms developed to predict the effect of missense changes on protein structure and function (SIFT, PolyPhen-2, Align-GVGD) all suggest that this variant is likely to be disruptive, but these predictions have not been confirmed by published functional studies and their clinical significance is uncertain. This variant has not been reported in the literature in individuals with SETD5-related disease. This variant is not present in population databases (ExAC no frequency). This sequence change replaces arginine with leucine at codon 348 of the SETD5 protein (p.Arg348Leu). The arginine residue is highly conserved and there is a moderate physicochemical difference between arginine and leucine.

NM_001080517.3(SETD5):c.1043G>T (p.Arg348Leu)

Gene: SETD5 (SET domain containing 5; plus strand). Cytogenetic location: 3p25.3.
Variant type: single nucleotide variant.
Coding change: c.1043G>T on transcript NM_001080517.3 (MANE Select); coding-DNA position 1043, G replaced by T.
Protein change: p.Arg348Leu; replaces arginine 348 with leucine.
Molecular consequence: missense variant.
Genome position (GRCh38, 1-based): chr3:9,442,211, G>T. VCF-style: chr3-9442211-G-T. GRCh37 (hg19) VCF-style: chr3-9483895-G-T.
Other names: c.749G>T, p.Arg250Leu (NM_001292043.2, NM_001349451.2); short protein forms R250L, R348L.
Identifiers: ClinVar variation 1065941 (VCV001065941.5), dbSNP rs2125194268, ClinGen allele CA351689549.